The following is an entry in ClinVar:

NM_000548.5(TSC2):c.2546-13dup

Gene: TSC2 (TSC complex subunit 2; plus strand). Cytogenetic location: 16p13.3.
Variant type: Duplication.
Coding change: c.2546-13dup on transcript NM_000548.5 (MANE Select); 13 bases into the intron before coding-DNA position 2546, one base duplicated (T; older notation c.2546-13dupT).
Molecular consequence: intron variant.
Genome position (GRCh38, 1-based): chr16:2,075,786, T duplicated. VCF-style (leftmost placement, unchanged base first): chr16-2075785-C-CT. GRCh37 (hg19) VCF-style: chr16-2125786-C-CT.
Other names: c.2546-13dup (NM_001114382.3, NM_021055.3, NM_001370405.1 and 3 more transcripts); c.2435-13dup (NM_001318827.2); c.1946-13dup (NM_001318831.2); c.2399-13dup (NM_001318829.2); c.2579-13dup (NM_001318832.2).
Identifiers: ClinVar variation 1582391 (VCV001582391.9), dbSNP rs2151379450, ClinGen allele CA2573151526.

ClinVar aggregate classification (germline): Likely benign. Review status: criteria provided, multiple submitters, no conflicts (2 of 4 stars). 2 submissions from 2 submitters: Likely benign (2). Last evaluated 2025-12-10.

Conditions:
Tuberous sclerosis 2 (TSC2). Identifiers: Orphanet 805, MedGen C1860707, MONDO:0013199, OMIM 613254.

Submissions (2):

Labcorp Genetics (formerly Invitae), Labcorp
Classification: Likely benign for Tuberous sclerosis 2. Last evaluated: 2025-12-10. Review status: criteria provided, single submitter. Criteria: Invitae Variant Classification Sherloc (09022015). Collection method: clinical testing. Allele origin: germline.

Myriad Genetics, Inc.
Classification: Likely benign for Tuberous sclerosis 2. Last evaluated: 2025-05-20. Review status: criteria provided, single submitter. Criteria: Myriad Autosomal Dominant, Autosomal Recessive and X-Linked Classification Criteria (2023). Collection method: clinical testing. Allele origin: unknown.
Comment: This variant is considered likely benign. This variant is intronic and is not expected to impact mRNA splicing.